The following is an entry in ClinVar:

NM_018646.6(TRPV6):c.955G>A (p.Asp319Asn)

Gene: TRPV6 (transient receptor potential cation channel subfamily V member 6; minus strand). Cytogenetic location: 7q34.
Variant type: single nucleotide variant.
Coding change: c.955G>A on transcript NM_018646.6 (MANE Select); coding-DNA position 955, G replaced by A.
Protein change: p.Asp319Asn; replaces aspartic acid 319 with asparagine.
Molecular consequence: missense variant.
Genome position (GRCh38, 1-based): chr7:142,875,832, C>T on the plus strand (G>A on the coding strand, the complement: TRPV6 is on the minus strand). VCF-style: chr7-142875832-C-T. GRCh37 (hg19) VCF-style: chr7-142573585-C-T.
Other names: c.955G>A (NM_018646.5); short protein forms D319N.
Identifiers: ClinVar variation 3685148 (VCV003685148.3).
Genomic context (GRCh38, chr7:142,875,832, plus strand): 5'-TGGTGATGATAAGTTCCAGCAGGGACTGCTCATCCCCTGAGGAGTCGATCTCTGTGAGGT[C>T]ATAGAGAGTCGAGGTCAGTGGTCCATACGTCCACTGGGTGTGCTTCCGCTTCTGCATCAG-3'
Protein context (NP_061116.5, residues 309-329): TYGPLTSTLY[Asp319Asn]LTEIDSSGDE

ClinVar aggregate classification (germline): Uncertain significance. Review status: criteria provided, multiple submitters, no conflicts (2 of 4 stars). 2 submissions from 2 submitters: Uncertain significance (2). Last evaluated 2026-01-30.

Conditions:
TRPV6-related disorder. Also called: TRPV6-related condition.

gnomAD v4.1: 20 of 1,611,612 alleles (0.0012%); highest among the groups gnomAD compares: South Asian, 0.021%; no homozygotes.

Submissions (2):

Labcorp Genetics (formerly Invitae), Labcorp
Classification: Uncertain significance. Last evaluated: 2026-01-30. Review status: criteria provided, single submitter. Criteria: Invitae Variant Classification Sherloc (09022015). Collection method: clinical testing. Allele origin: germline.
Comment: This sequence change replaces aspartic acid, which is acidic and polar, with asparagine, which is neutral and polar, at codon 319 of the TRPV6 protein (p.Asp319Asn). This variant is present in population databases (rs779469652, gnomAD 0.01%). This missense change has been observed in individual(s) with chronic pancreatitis (PMID: 31930989). ClinVar contains an entry for this variant (Variation ID: 3685148). Algorithms developed to predict the effect of variants on gene product structure and function are not available or were not evaluated for this variant. Experimental studies have shown that this missense change does not substantially affect TRPV6 function (PMID: 31930989). In summary, the available evidence is currently insufficient to determine the role of this variant in disease. Therefore, it has been classified as a Variant of Uncertain Significance.

PreventionGenetics, part of Exact Sciences
Classification: Uncertain significance for TRPV6-related condition. Last evaluated: 2025-06-03. Review status: criteria provided, single submitter. Criteria: ACMG Guidelines, 2015. Collection method: clinical testing. Allele origin: germline.
Comment: The TRPV6 c.955G>A variant is predicted to result in the amino acid substitution p.Asp319Asn. This variant has been observed in the heterozygous state, along with another missense variant, in an individual from a cohort of patients with nonalcoholic chronic pancreatitis (Masamune et al. 2020. PubMed ID: 31930989). In vitro functional studies found no significant impact on the protein function when compared to wild type (Masamune et al. 2020. PubMed ID: 31930989). This variant is reported in 0.013% of alleles in individuals of South Asian descent in gnomAD. At this time, the clinical significance of this variant is uncertain due to the absence of conclusive functional and genetic evidence.

Literature cited by the submitters: PubMed 31930989 (cited by Labcorp Genetics (formerly Invitae), Labcorp).